The following is an entry in ClinVar:

NM_020937.4(FANCM):c.5147C>T (p.Ser1716Phe)

Gene: FANCM (FA complementation group M; plus strand). Cytogenetic location: 14q21.2.
Variant type: single nucleotide variant.
Coding change: c.5147C>T on transcript NM_020937.4 (MANE Select); coding-DNA position 5147, C replaced by T.
Protein change: p.Ser1716Phe; replaces serine 1716 with phenylalanine.
Molecular consequence: missense variant.
Genome position (GRCh38, 1-based): chr14:45,189,169, C>T. VCF-style: chr14-45189169-C-T. GRCh37 (hg19) VCF-style: chr14-45658372-C-T.
Other names: c.5069C>T, p.Ser1690Phe (NM_001308133.2); short protein forms S1690F, S1716F.
Identifiers: ClinVar variation 2770833 (VCV002770833.3), dbSNP rs774758594, ClinGen allele CA7169914.

ClinVar aggregate classification (germline): Uncertain significance (1 of 4 stars; one submission).

Conditions:
Fanconi anemia (FA). Also called: Fanconi's anemia. Identifiers: Orphanet 84, MedGen C0015625, MeSH D005199, MONDO:0019391.

Allele frequency attached by ClinVar (database versions not stated): gnomAD exomes below 0.00001; ExAC 0.00001.
gnomAD v4.1: 2 of 1,614,124 alleles (0.00012%); highest among the groups gnomAD compares: East Asian, 0.0022%; no homozygotes.

Submission:

Labcorp Genetics (formerly Invitae), Labcorp
Classification: Uncertain significance for Fanconi anemia. Last evaluated: 2023-10-22. Review status: criteria provided, single submitter. Criteria: Invitae Variant Classification Sherloc (09022015). Collection method: clinical testing. Allele origin: germline.
Comment: This sequence change replaces serine, which is neutral and polar, with phenylalanine, which is neutral and non-polar, at codon 1716 of the FANCM protein (p.Ser1716Phe). This variant is present in population databases (rs774758594, gnomAD 0.006%). This variant has not been reported in the literature in individuals affected with FANCM-related conditions. An algorithm developed to predict the effect of missense changes on protein structure and function (PolyPhen-2) suggests that this variant is likely to be tolerated. In summary, the available evidence is currently insufficient to determine the role of this variant in disease. Therefore, it has been classified as a Variant of Uncertain Significance.